The following is an entry in ClinVar:

NC_000005.9:g.(?_41195874)_(41196055_?)dup

Gene: C6 (complement C6; minus strand). Cytogenetic location: 5p13.1.
Variant type: Duplication.
Identifiers: ClinVar variation 3246426 (VCV003246426.1).

ClinVar aggregate classification (germline): Likely pathogenic (1 of 4 stars; one submission).

Submission:

Labcorp Genetics (formerly Invitae), Labcorp
Classification: Likely pathogenic. Last evaluated: 2023-12-22. Review status: criteria provided, single submitter. Criteria: Invitae Variant Classification Sherloc (09022015). Collection method: clinical testing. Allele origin: unknown.
Comment: This variant results in a copy number gain of the genomic region encompassing exon(s) 5 of the C6 gene. While the exact position of this variant cannot be determined from the data, sub-genic copy number gains are generally in tandem (PMID: 25640679). This variant is predicted to be out-of-frame, and may result in an absent or disrupted protein product. Loss-of-function variants in C6 are known to be pathogenic (PMID: 17257682). This variant has not been reported in the literature in individuals affected with C6-related conditions. In summary, the currently available evidence indicates that the variant is pathogenic, but additional data are needed to prove that conclusively. Therefore, this variant has been classified as Likely Pathogenic.

Literature cited by the submitters: PubMed 25640679; PubMed 17257682.